The following is an entry in ClinVar:

ClinVar aggregate classification (germline): Likely benign (1 of 4 stars; one submission).

Allele frequency attached by ClinVar (database versions not stated): gnomAD 0.00001; gnomAD exomes 0.00003; TOPMed 0.00003.

Submission:

CeGaT Center for Human Genetics Tuebingen
Classification: Likely benign. Last evaluated: 2026-05-01. Review status: criteria provided, single submitter. Criteria: CeGaT Center For Human Genetics Tuebingen Variant Classification Criteria Version 2. Collection method: clinical testing. Allele origin: germline. Affected: yes. Observed: 1 variant allele.
Comment: VWA1: BP4, BP7

NM_022834.5(VWA1):c.825G>A (p.Pro275=)

Gene: VWA1 (von Willebrand factor A domain containing 1; plus strand). Cytogenetic location: 1p36.33.
Variant type: single nucleotide variant.
Coding change: c.825G>A on transcript NM_022834.5 (MANE Select); coding-DNA position 825, G replaced by A.
Protein change: p.Pro275=; no amino-acid change (proline 275 retained).
Molecular consequence: synonymous variant. On other transcripts: 3 prime UTR variant (1).
Genome position (GRCh38, 1-based): chr1:1,439,274, G>A. VCF-style: chr1-1439274-G-A. GRCh37 (hg19) VCF-style: chr1-1374654-G-A.
Other names: c.*235G>A (NM_199121.3).
Identifiers: ClinVar variation 3067502 (VCV003067502.21), dbSNP rs764733441, ClinGen allele CA16816507.